The following is an entry in ClinVar:

ClinVar aggregate classification (germline): Likely benign. Review status: criteria provided, multiple submitters, no conflicts (2 of 4 stars). 3 submissions from 3 submitters: Likely benign (3). Last evaluated 2025-11-13.

Conditions:
Familial thoracic aortic aneurysm and aortic dissection (TAAD). Also called: Thoracic aortic aneurysms and dissections. Identifiers: Orphanet 91387, MedGen C4707243, MONDO:0019625.
Loeys-Dietz syndrome 2 (LDS2). Also called: Marfan Syndrome type 2; Marfan like connective tissue disorder; MFS 2; Marfan syndrome, type 2 (formerly); AORTIC ANEURYSM, FAMILIAL THORACIC 3; MARFAN SYNDROME, TYPE II. Identifiers: Orphanet 284973, Orphanet 558, MedGen C2674574, MONDO:0012427, OMIM 610168.

Allele frequency attached by ClinVar (database versions not stated): gnomAD exomes below 0.00001; ExAC 0.00001; gnomAD 0.00001; TOPMed 0.00001.
gnomAD v4.1: 5 of 1,614,070 alleles (0.00031%); highest among the groups gnomAD compares: African/African-American, 0.004%; no homozygotes.

Submissions (3):

Labcorp Genetics (formerly Invitae), Labcorp
Classification: Likely benign for Familial thoracic aortic aneurysm and aortic dissection. Last evaluated: 2025-11-13. Review status: criteria provided, single submitter. Criteria: Invitae Variant Classification Sherloc (09022015). Collection method: clinical testing. Allele origin: germline.

All of Us Research Program, National Institutes of Health
Classification: Likely benign for Loeys-Dietz syndrome 2. Last evaluated: 2024-06-09. Review status: criteria provided, single submitter. Criteria: ACMG Guidelines, 2015. Collection method: clinical testing. Allele origin: germline. Inheritance: Autosomal dominant inheritance. Observed: 3 variant alleles, 3 heterozygotes.
Comment: This study involves interpretation of variants in research participants for the purpose of population health screening. Participant phenotype was not available at the time of variant classification. Additional details can be found in publication PMID: 35346344, PMCID: PMC8962531

Ambry Genetics
Classification: Likely benign for Familial thoracic aortic aneurysm and aortic dissection. Last evaluated: 2020-12-18. Review status: criteria provided, single submitter. Criteria: Ambry Variant Classification Scheme 2023. Collection method: clinical testing. Allele origin: germline.

NM_003242.6(TGFBR2):c.1293A>G (p.Glu431=)

Gene: TGFBR2 (transforming growth factor beta receptor 2; plus strand). Cytogenetic location: 3p24.1.
Variant type: single nucleotide variant.
Coding change: c.1293A>G on transcript NM_003242.6 (MANE Select); coding-DNA position 1293, A replaced by G.
Protein change: p.Glu431=; no amino-acid change (glutamic acid 431 retained).
Molecular consequence: synonymous variant. On other transcripts: intron variant (1).
Genome position (GRCh38, 1-based): chr3:30,674,143, A>G. VCF-style: chr3-30674143-A-G. GRCh37 (hg19) VCF-style: chr3-30715635-A-G.
Other names: c.1368A>G, p.Glu456= (NM_001024847.3); c.1476A>G, p.Glu492= (NM_001407126.1); c.1401A>G, p.Glu467= (NM_001407127.1); c.1320A>G, p.Glu440= (NM_001407128.1); c.1296A>G, p.Glu432= (NM_001407129.1); c.1293A>G, p.Glu431= (NM_001407130.1); c.1188A>G, p.Glu396= (NM_001407132.1, NM_001407133.1, NM_001407134.1 and 2 more transcripts); c.1008A>G, p.Glu336= (NM_001407137.1); and 2 more.
Identifiers: ClinVar variation 1115114 (VCV001115114.12), dbSNP rs774384466, ClinGen allele CA046260.